The following is an entry in ClinVar:

NM_001267550.2(TTN):c.101081G>A (p.Arg33694Lys)

Genes: TTN-AS1 (TTN antisense RNA 1; plus strand), TTN (titin; minus strand). Cytogenetic location: 2q31.2.
Variant type: single nucleotide variant.
Coding change: c.101081G>A on transcript NM_001267550.2 (MANE Select); coding-DNA position 101081, G replaced by A.
Protein change: p.Arg33694Lys; replaces arginine 33694 with lysine.
Molecular consequence: missense variant.
Genome position (GRCh38, 1-based): chr2:178,535,534, C>T on the plus strand (G>A on the coding strand, the complement: TTN is on the minus strand). VCF-style: chr2-178535534-C-T. GRCh37 (hg19) VCF-style: chr2-179400261-C-T.
Other names: c.96158G>A, p.Arg32053Lys (NM_001256850.1); c.73886G>A, p.Arg24629Lys (NM_003319.4); c.93377G>A, p.Arg31126Lys (NM_133378.4); c.74261G>A, p.Arg24754Lys (NM_133432.3); c.74462G>A, p.Arg24821Lys (NM_133437.4); short protein forms R24629K, R24754K, R24821K, R31126K, R32053K, R33694K.
Identifiers: ClinVar variation 1014629 (VCV001014629.9), dbSNP rs747732590, ClinGen allele CA1985933.
Genomic context (GRCh38, chr2:178,535,534, plus strand): 5'-GCTGGCTCAGTCCATGTTAAGTTGACAGAATCTCGTGAGACATCACTAACTTTGACTCCT[C>T]TGGGTGGGTCAGGAACATCAGCCACATCCAGTTCAACTGTCTTCTGATCAATTCCAAATC-3'
Protein context (NP_001254479.2, residues 33684-33704): LDVADVPDPP[Arg33694Lys]GVKVSDVSRD

ClinVar aggregate classification (germline): Uncertain significance (1 of 4 stars; one submission).

Conditions:
Dilated cardiomyopathy 1G (CMD1G). Identifiers: Orphanet 154, MedGen C1858763, MONDO:0011400, OMIM 604145.
Autosomal recessive limb-girdle muscular dystrophy type 2J (LGMDR10). Also called: Limb-girdle muscular dystrophy, type 2J; MUSCULAR DYSTROPHY, LIMB-GIRDLE, AUTOSOMAL RECESSIVE 10. Identifiers: Orphanet 140922, MedGen C1837342, MONDO:0012127, OMIM 608807.

Allele frequency attached by ClinVar (database versions not stated): gnomAD exomes below 0.00001; ExAC 0.00001.
gnomAD v4.1: 4 of 1,613,760 alleles (0.00025%); highest among the groups gnomAD compares: African/African-American, 0.0013%; no homozygotes.

Submission:

Labcorp Genetics (formerly Invitae), Labcorp
Classification: Uncertain significance for Dilated cardiomyopathy 1G; Autosomal recessive limb-girdle muscular dystrophy type 2J. Last evaluated: 2025-09-25. Review status: criteria provided, single submitter. Criteria: Invitae Variant Classification Sherloc (09022015). Collection method: clinical testing. Allele origin: germline.
Comment: This sequence change replaces arginine, which is basic and polar, with lysine, which is basic and polar, at codon 33694 of the TTN protein (p.Arg33694Lys). This variant is present in population databases (rs747732590, gnomAD 0.0009%). This variant has not been reported in the literature in individuals affected with TTN-related conditions. ClinVar contains an entry for this variant (Variation ID: 1014629). Experimental studies and prediction algorithms are not available or were not evaluated, and the functional significance of this variant is currently unknown. This variant is located in the M band of TTN (PMID: 25589632). Non-truncating variants in this region may be relevant for neuromuscular disorders, but have not been definitively shown to cause cardiomyopathy (PMID: 23975875). In summary, the available evidence is currently insufficient to determine the role of this variant in disease. Therefore, it has been classified as a Variant of Uncertain Significance.

Literature cited by the submitters: PubMed 25589632; PubMed 23975875.